The following is an entry in ClinVar:

NM_033215.5(PPP1R3F):c.2242C>T (p.Pro748Ser)

Gene: PPP1R3F (protein phosphatase 1 regulatory subunit 3F; plus strand). Cytogenetic location: Xp11.23.
Variant type: single nucleotide variant.
Coding change: c.2242C>T on transcript NM_033215.5 (MANE Select); coding-DNA position 2242, C replaced by T.
Protein change: p.Pro748Ser; replaces proline 748 with serine.
Molecular consequence: missense variant.
Genome position (GRCh38, 1-based): chrX:49,286,932, C>T. VCF-style: chrX-49286932-C-T. GRCh37 (hg19) VCF-style: chrX-49143394-C-T.
Other names: c.2242C>T (NM_033215.4); c.1204C>T, p.Pro402Ser (NM_001184745.2); short protein forms P402S, P748S.
Identifiers: ClinVar variation 3898220 (VCV003898220.8).

ClinVar aggregate classification (germline): Conflicting classifications of pathogenicity. Review status: criteria provided, conflicting classifications (1 of 4 stars). 2 submissions from 2 submitters: Uncertain significance (1); Likely benign (1). Last evaluated 2025-04-17.

gnomAD v4.1: 163 of 1,205,104 alleles (0.014%); highest among the groups gnomAD compares: Non-Finnish European, 0.018%; no homozygotes.

Submissions (2):

Ambry Genetics
Classification: Uncertain significance. Last evaluated: 2025-04-17. Review status: criteria provided, single submitter. Criteria: Ambry Variant Classification Scheme 2023. Collection method: clinical testing. Allele origin: germline.

CeGaT Center for Human Genetics Tuebingen
Classification: Likely benign. Last evaluated: 2025-04-01. Review status: criteria provided, single submitter. Criteria: CeGaT Center For Human Genetics Tuebingen Variant Classification Criteria Version 2. Collection method: clinical testing. Allele origin: germline. Affected: yes. Observed: 1 variant allele.
Comment: PPP1R3F: BP4, BS2